The following is an entry in ClinVar:

NM_001040108.2(MLH3):c.239C>T (p.Ser80Leu)

Gene: MLH3 (mutL homolog 3; minus strand). Cytogenetic location: 14q24.3.
Variant type: single nucleotide variant.
Coding change: c.239C>T on transcript NM_001040108.2 (MANE Select); coding-DNA position 239, C replaced by T.
Protein change: p.Ser80Leu; replaces serine 80 with leucine.
Molecular consequence: missense variant.
Genome position (GRCh38, 1-based): chr14:75,049,417, G>A on the plus strand (C>T on the coding strand, the complement: MLH3 is on the minus strand). VCF-style: chr14-75049417-G-A. GRCh37 (hg19) VCF-style: chr14-75516120-G-A.
Other names: c.239C>T, p.Ser80Leu (NM_014381.3); short protein forms S80L.
Identifiers: ClinVar variation 1790681 (VCV001790681.8), dbSNP rs1566610687, ClinGen allele CA390451272.

ClinVar aggregate classification (germline): Uncertain significance. Review status: criteria provided, multiple submitters, no conflicts (2 of 4 stars). 3 submissions from 3 submitters: Uncertain significance (3). Last evaluated 2025-07-25.

Conditions:
Colorectal cancer, hereditary nonpolyposis, type 7. Identifiers: Orphanet 144, MedGen C1858380, MONDO:0013725, OMIM 614385.
Endometrial carcinoma. Also called: Endometrial carcinoma, somatic. Identifiers: MedGen C0476089, MONDO:0002447, OMIM 608089, HP:0012114.
Colorectal cancer. Also called: Malignant Colorectal Neoplasm; Colorectal cancer, somatic. Identifiers: MedGen C0346629, MONDO:0005575, OMIM 114500.

Allele frequency attached by ClinVar (database versions not stated): TOPMed 0.00001.
gnomAD v4.1: 2 of 1,613,980 alleles (0.00012%); highest among the groups gnomAD compares: South Asian, 0.0011%; no homozygotes.

Submissions (3):

Ambry Genetics
Classification: Uncertain significance. Last evaluated: 2025-07-25. Review status: criteria provided, single submitter. Criteria: Ambry Variant Classification Scheme 2023. Collection method: clinical testing. Allele origin: germline.
Comment: The p.S80L variant (also known as c.239C>T), located in coding exon 1 of the MLH3 gene, results from a C to T substitution at nucleotide position 239. The serine at codon 80 is replaced by leucine, an amino acid with dissimilar properties. This amino acid position is well conserved in available vertebrate species. In addition, the in silico prediction for this alteration is inconclusive. The evidence for this gene-disease relationship is limited; therefore, the clinical significance of this alteration is unclear.

Fulgent Genetics
Classification: Uncertain significance for Colorectal cancer; Endometrial carcinoma; Colorectal cancer, hereditary nonpolyposis, type 7. Last evaluated: 2024-06-06. Review status: criteria provided, single submitter. Criteria: ACMG Guidelines, 2015. Collection method: clinical testing. Allele origin: germline.

Labcorp Genetics (formerly Invitae), Labcorp
Classification: Uncertain significance for Colorectal cancer, hereditary nonpolyposis, type 7. Last evaluated: 2023-07-25. Review status: criteria provided, single submitter. Criteria: Invitae Variant Classification Sherloc (09022015). Collection method: clinical testing. Allele origin: germline.
Comment: ClinVar contains an entry for this variant (Variation ID: 1790681). This sequence change replaces serine, which is neutral and polar, with leucine, which is neutral and non-polar, at codon 80 of the MLH3 protein (p.Ser80Leu). This variant is not present in population databases (gnomAD no frequency). This variant has not been reported in the literature in individuals affected with MLH3-related conditions. Algorithms developed to predict the effect of missense changes on protein structure and function output the following: SIFT: "Not Available"; PolyPhen-2: "Benign"; Align-GVGD: "Not Available". The leucine amino acid residue is found in multiple mammalian species, which suggests that this missense change does not adversely affect protein function. In summary, the available evidence is currently insufficient to determine the role of this variant in disease. Therefore, it has been classified as a Variant of Uncertain Significance.